The following is an entry in ClinVar:

ClinVar aggregate classification (germline): Uncertain significance (1 of 4 stars; one submission).

Conditions:
Ehlers-Danlos syndrome, classic type, 1 (EDSCL1). Also called: EHLERS-DANLOS SYNDROME, GRAVIS TYPE; EHLERS-DANLOS SYNDROME, SEVERE CLASSIC TYPE; Ehlers-Danlos syndrome, type 1; EDS I; Ehlers-Danlos Syndrome, Classic Type, COL5A1-Related. Identifiers: MedGen C0268335, MONDO:0019567, OMIM 130000.

Allele frequency attached by ClinVar (database versions not stated): TOPMed below 0.00001.

Submission:

Labcorp Genetics (formerly Invitae), Labcorp
Classification: Uncertain significance for Ehlers-Danlos syndrome, classic type, 1. Last evaluated: 2021-04-26. Review status: criteria provided, single submitter. Criteria: Invitae Variant Classification Sherloc (09022015). Collection method: clinical testing. Allele origin: germline.
Comment: This sequence change replaces proline with serine at codon 454 of the COL5A2 protein (p.Pro454Ser). The proline residue is highly conserved and there is a moderate physicochemical difference between proline and serine. This variant is not present in population databases (ExAC no frequency). This variant has not been reported in the literature in individuals with COL5A2-related conditions. Advanced modeling of protein sequence and biophysical properties (such as structural, functional, and spatial information, amino acid conservation, physicochemical variation, residue mobility, and thermodynamic stability) performed at Invitae indicates that this missense variant is not expected to disrupt COL5A2 protein function. In summary, the available evidence is currently insufficient to determine the role of this variant in disease. Therefore, it has been classified as a Variant of Uncertain Significance.

NM_000393.5(COL5A2):c.1360C>T (p.Pro454Ser)

Gene: COL5A2 (collagen type V alpha 2 chain; minus strand). Cytogenetic location: 2q32.2.
Variant type: single nucleotide variant.
Coding change: c.1360C>T on transcript NM_000393.5 (MANE Select); coding-DNA position 1360, C replaced by T.
Protein change: p.Pro454Ser; replaces proline 454 with serine.
Molecular consequence: missense variant.
Genome position (GRCh38, 1-based): chr2:189,068,056, G>A on the plus strand (C>T on the coding strand, the complement: COL5A2 is on the minus strand). VCF-style: chr2-189068056-G-A. GRCh37 (hg19) VCF-style: chr2-189932782-G-A.
Other names: short protein forms P454S.
Identifiers: ClinVar variation 1365401 (VCV001365401.8), dbSNP rs1686191057, ClinGen allele CA349852712.